The following is an entry in ClinVar:

ClinVar aggregate classification (germline): Uncertain significance. Review status: criteria provided, multiple submitters, no conflicts (2 of 4 stars). 2 submissions from 2 submitters: Uncertain significance (2). Last evaluated 2017-01-10.

Conditions:
Inborn genetic diseases. Identifiers: MedGen C0950123, MeSH D030342.

Allele frequency attached by ClinVar (database versions not stated): gnomAD exomes below 0.00001; gnomAD 0.00005; TOPMed 0.00017; ESP Exome Variant Server 0.00031.
gnomAD v4.1: 14 of 1,614,114 alleles (0.00087%); highest among the groups gnomAD compares: African/African-American, 0.016%; 1 homozygote.

Submissions (2):

Ambry Genetics
Classification: Uncertain significance for Inborn genetic diseases. Last evaluated: 2017-01-10. Review status: criteria provided, single submitter. Criteria: Ambry Variant Classification Scheme 2023. Collection method: clinical testing. Allele origin: germline.
Comment: The p.M449I variant (also known as c.1347G>A), located in coding exon 5 of the LINS gene, results from a G to A substitution at nucleotide position 1347. The methionine at codon 449 is replaced by isoleucine, an amino acid with highly similar properties. This amino acid position is highly conserved in available vertebrate species. In addition, the in silico prediction for this alteration is inconclusive. Since supporting evidence is limited at this time, the clinical significance of this alteration remains unclear.

Genetic Services Laboratory, University of Chicago
Classification: Uncertain significance. Last evaluated: 2014-12-02. Review status: criteria provided, single submitter. Criteria: ACMG Guidelines, 2015. Collection method: clinical testing. Allele origin: germline.

NM_001040616.3(LINS1):c.1347G>A (p.Met449Ile)

Gene: LINS1 (lines homolog 1; minus strand). Cytogenetic location: 15q26.3.
Variant type: single nucleotide variant.
Coding change: c.1347G>A on transcript NM_001040616.3 (MANE Select); coding-DNA position 1347, G replaced by A.
Protein change: p.Met449Ile; replaces methionine 449 with isoleucine.
Molecular consequence: missense variant. On other transcripts: non-coding transcript variant (3).
Genome position (GRCh38, 1-based): chr15:100,571,941, C>T on the plus strand (G>A on the coding strand, the complement: LINS1 is on the minus strand). VCF-style: chr15-100571941-C-T. GRCh37 (hg19) VCF-style: chr15-101112146-C-T.
Other names: c.600G>A, p.Met200Ile (NM_001352507.2); c.1194G>A, p.Met398Ile (NM_001352508.2); short protein forms M449I, M398I, M200I.
Identifiers: ClinVar variation 211379 (VCV000211379.10), dbSNP rs201677311, ClinGen allele CA205437.
Genomic context (GRCh38, chr15:100,571,941, plus strand): 5'-AAAATACACTAACCTGGTCAGTGTTAAGTAGATGCCCAGTGATGCCTTGGCAGCCTCCAG[C>T]ATGTCATCGTCTTGTTCTATGAAAACCCGAGACAGCCATTTGCACGGATTGTGTAATTGC-3'
Protein context (NP_001035706.2, residues 439-459): SRVFIEQDDD[Met449Ile]LEAAKASLGI